The following is an entry in ClinVar:

ClinVar aggregate classification (germline): Uncertain significance (1 of 4 stars; one submission).

Submission:

Labcorp Genetics (formerly Invitae), Labcorp
Classification: Uncertain significance. Last evaluated: 2022-07-11. Review status: criteria provided, single submitter. Criteria: Invitae Variant Classification Sherloc (09022015). Collection method: clinical testing. Allele origin: germline.
Comment: This variant has not been reported in the literature in individuals affected with SPEG-related conditions. In summary, the available evidence is currently insufficient to determine the role of this variant in disease. Therefore, it has been classified as a Variant of Uncertain Significance. Algorithms developed to predict the effect of missense changes on protein structure and function are either unavailable or do not agree on the potential impact of this missense change (SIFT: "Deleterious"; PolyPhen-2: "Benign"; Align-GVGD: "Class C0"). ClinVar contains an entry for this variant (Variation ID: 1495668). This variant is not present in population databases (gnomAD no frequency). This sequence change replaces serine, which is neutral and polar, with asparagine, which is neutral and polar, at codon 242 of the SPEG protein (p.Ser242Asn).

NM_005876.5(SPEG):c.725G>A (p.Ser242Asn)

Gene: SPEG (striated muscle enriched protein kinase; plus strand). Cytogenetic location: 2q35.
Variant type: single nucleotide variant.
Coding change: c.725G>A on transcript NM_005876.5 (MANE Select); coding-DNA position 725, G replaced by A.
Protein change: p.Ser242Asn; replaces serine 242 with asparagine.
Molecular consequence: missense variant.
Genome position (GRCh38, 1-based): chr2:219,445,071, G>A. VCF-style: chr2-219445071-G-A. GRCh37 (hg19) VCF-style: chr2-220309793-G-A.
Other names: short protein forms S242N.
Identifiers: ClinVar variation 1495668 (VCV001495668.8), dbSNP rs2125249172, ClinGen allele CA350712633.